The following is an entry in ClinVar:

ClinVar aggregate classification (germline): Uncertain significance (1 of 4 stars; one submission).

Conditions:
TMEM67-related disorder. Also called: TMEM67-related disorders; TMEM67-related condition. Identifiers: MedGen CN239423.

gnomAD v4.1: 1 of 1,601,166 alleles (0.000062%); highest among the groups gnomAD compares: Admixed American, 0.0017%; no homozygotes.

Submission:

PreventionGenetics, part of Exact Sciences
Classification: Uncertain significance for TMEM67-related condition. Last evaluated: 2025-03-17. Review status: criteria provided, single submitter. Criteria: ACMG Guidelines, 2015. Collection method: clinical testing. Allele origin: germline.
Comment: The TMEM67 c.1218A>T variant is predicted to result in the amino acid substitution p.Gln406His. To our knowledge, this variant has not been reported in the literature or in a large population database (gnomAD), indicating this variant is rare. At this time, the clinical significance of this variant is uncertain due to the absence of conclusive functional and genetic evidence.

NM_153704.6(TMEM67):c.1218A>T (p.Gln406His)

Gene: TMEM67 (transmembrane protein 67; plus strand). Cytogenetic location: 8q22.1.
Variant type: single nucleotide variant.
Coding change: c.1218A>T on transcript NM_153704.6 (MANE Select); coding-DNA position 1218, A replaced by T.
Protein change: p.Gln406His; replaces glutamine 406 with histidine.
Molecular consequence: missense variant. On other transcripts: non-coding transcript variant (1).
Genome position (GRCh38, 1-based): chr8:93,785,308, A>T. VCF-style: chr8-93785308-A-T. GRCh37 (hg19) VCF-style: chr8-94797536-A-T.
Other names: c.975A>T, p.Gln325His (NM_001142301.1); short protein forms Q325H, Q406H.
Identifiers: ClinVar variation 5001794 (VCV005001794.1).